The following is an entry in ClinVar:

NM_001006658.3(CR2):c.52del (p.Val18fs)

Gene: CR2 (complement C3d receptor 2; plus strand). Cytogenetic location: 1q32.2.
Variant type: Deletion.
Coding change: c.52del on transcript NM_001006658.3 (MANE Select); coding-DNA position 52, one base deleted (G; older notation c.52delG).
Protein change: p.Val18fs; shifts the reading frame from valine 18.
Molecular consequence: frameshift variant.
Genome position (GRCh38, 1-based): chr1:207,454,470, G deleted; the last of 5 consecutive G bases (chr1:207,454,466-207,454,470); deleting any one gives the same sequence. VCF-style (leftmost placement, unchanged base first): chr1-207454465-CG-C. GRCh37 (hg19) VCF-style: chr1-207627810-CG-C.
Other names: c.52del, p.Val18fs (NM_001877.5); short protein forms V18fs.
Identifiers: ClinVar variation 3663085 (VCV003663085.2).

ClinVar aggregate classification (germline): Pathogenic (1 of 4 stars; one submission).

Conditions:
Immunodeficiency, common variable, 7. Identifiers: Orphanet 1572, Orphanet 696894, MedGen C3542922, MONDO:0013862, OMIM 614699.

Submission:

Labcorp Genetics (formerly Invitae), Labcorp
Classification: Pathogenic for Immunodeficiency, common variable, 7. Last evaluated: 2024-08-21. Review status: criteria provided, single submitter. Criteria: Invitae Variant Classification Sherloc (09022015). Collection method: clinical testing. Allele origin: germline.
Comment: This sequence change creates a premature translational stop signal (p.Val18Serfs*13) in the CR2 gene. It is expected to result in an absent or disrupted protein product. Loss-of-function variants in CR2 are known to be pathogenic (PMID: 26325596, 28499783). This variant is not present in population databases (gnomAD no frequency). This variant has not been reported in the literature in individuals affected with CR2-related conditions. For these reasons, this variant has been classified as Pathogenic.

Literature cited by the submitters: PubMed 26325596; PubMed 28499783.